The following is an entry in ClinVar:

ClinVar aggregate classification (germline): Conflicting classifications of pathogenicity. Review status: criteria provided, conflicting classifications (1 of 4 stars). 2 submissions from 2 submitters: Uncertain significance (1); Likely benign (1). Last evaluated 2022-11-22.

Conditions:
Hereditary cancer-predisposing syndrome. Also called: Neoplastic Syndromes, Hereditary; Tumor predisposition; Hereditary Cancer Syndrome; Hereditary neoplastic syndrome. Identifiers: Orphanet 140162, MedGen C0027672, MeSH D009386, MONDO:0015356.

Allele frequency attached by ClinVar (database versions not stated): gnomAD exomes below 0.00001.
gnomAD v4.1: 1 of 1,613,946 alleles (0.000062%); highest among the groups gnomAD compares: South Asian, 0.0011%; no homozygotes.

Submissions (3):

Ambry Genetics
Classification: Likely benign for Hereditary cancer-predisposing syndrome. Last evaluated: 2022-11-22. Review status: criteria provided, single submitter. Criteria: Ambry Variant Classification Scheme 2023. Collection method: clinical testing. Allele origin: germline.

GeneDx
Classification: Uncertain significance. Last evaluated: 2019-06-19. Review status: criteria provided, single submitter. Criteria: GeneDx Variant Classification Process June 2021. Collection method: clinical testing. Allele origin: germline. Affected: yes.
Comment: Not observed in large population cohorts (Lek et al., 2016); In silico analysis, which includes protein predictors and evolutionary conservation, supports a deleterious effect; Has not been previously published as pathogenic or benign to our knowledge; This variant is associated with the following publications: (PMID: 30209399)

Brotman Baty Institute, University of Washington
No classification provided (evidence only). Condition: Breast-ovarian cancer, familial 1. Review status: no classification provided. Collection method: in vitro. Allele origin: not applicable. Functional consequence: functionally_normal. Not counted in ClinVar's aggregate classification.
ClinVar note: "not provided" was previously submitted as the classification for the variant. However, the classification appeared to be based only on an observation of functional data so it was converted to no classification on 2025-07-30.

Literature cited by the submitters: PubMed 30209399 (cited by Ambry Genetics).

NM_007294.4(BRCA1):c.5540G>A (p.Cys1847Tyr)

Gene: BRCA1 (BRCA1 DNA repair associated; minus strand). Cytogenetic location: 17q21.31.
Variant type: single nucleotide variant.
Coding change: c.5540G>A on transcript NM_007294.4 (MANE Select); coding-DNA position 5540, G replaced by A.
Protein change: p.Cys1847Tyr; replaces cysteine 1847 with tyrosine.
Molecular consequence: missense variant. On other transcripts: 3 prime UTR variant (1), non-coding transcript variant (1).
Genome position (GRCh38, 1-based): chr17:43,045,730, C>T on the plus strand (G>A on the coding strand, the complement: BRCA1 is on the minus strand). VCF-style: chr17-43045730-C-T. GRCh37 (hg19) VCF-style: chr17-41197747-C-T.
Other names: c.2225G>A, p.Cys742Tyr (NM_001408401.1, NM_001408402.1, NM_001408403.1 and 7 more transcripts); c.2150G>A, p.Cys717Tyr (NM_001408416.1, NM_001408412.1, NM_001408413.1 and 2 more transcripts); c.2114G>A, p.Cys705Tyr (NM_001408418.1, NM_001408419.1, NM_001408420.1); c.2111G>A, p.Cys704Tyr (NM_001408421.1, NM_001408422.1, NM_001408423.1 and 1 more transcripts); c.2108G>A, p.Cys703Tyr (NM_001408425.1, NM_001408426.1, NM_001408427.1 and 4 more transcripts); c.2105G>A, p.Cys702Tyr (NM_001408436.1, NM_001408437.1, NM_001408438.1 and 10 more transcripts); c.2090G>A, p.Cys697Tyr (NM_001408456.1, NM_001408457.1, NM_001408452.1 and 3 more transcripts); c.2087G>A, p.Cys696Tyr (NM_001408458.1, NM_001408459.1, NM_001408460.1 and 7 more transcripts); and 74 more; short protein forms C1800Y, C743Y, C1847Y, C1868Y, C1718Y, C1734Y, C1775Y, C1778Y.
Identifiers: ClinVar variation 867638 (VCV000867638.7), dbSNP rs1182000313, ClinGen allele CA10590243.
Genomic context (GRCh38, chr17:43,045,730, plus strand): 5'-GGCTGCAGTCAGTAGTGGCTGTGGGGGATCTGGGGTATCAGGTAGGTGTCCAGCTCCTGG[C>T]ACTGGTAGAGTGCTACACTGTCCAACACCCACTCTCGGGTCACCACAGGTGCCTCACACA-3'
Protein context (NP_009225.1, residues 1837-1857): WVLDSVALYQ[Cys1847Tyr]QELDTYLIPQ